The following is an entry in ClinVar:

NM_170784.3(MKKS):c.1015A>C (p.Ile339Leu)

Gene: MKKS (MKKS centrosomal shuttling protein; minus strand). Cytogenetic location: 20p12.2.
Variant type: single nucleotide variant.
Coding change: c.1015A>C on transcript NM_170784.3 (MANE Select); coding-DNA position 1015, A replaced by C.
Protein change: p.Ile339Leu; replaces isoleucine 339 with leucine.
Molecular consequence: missense variant. On other transcripts: non-coding transcript variant (1).
Genome position (GRCh38, 1-based): chr20:10,408,774, T>G on the plus strand (A>C on the coding strand, the complement: MKKS is on the minus strand). VCF-style: chr20-10408774-T-G. GRCh37 (hg19) VCF-style: chr20-10389422-T-G.
Other names: c.1015A>C, p.Ile339Leu (NM_018848.3); short protein forms I339L.
Identifiers: ClinVar variation 3759156 (VCV003759156.2).

ClinVar aggregate classification (germline): Uncertain significance (1 of 4 stars; one submission).

Conditions:
Bardet-Biedl syndrome (BBS). Identifiers: Orphanet 110, MedGen C0752166, MONDO:0015229.
McKusick-Kaufman syndrome (MKKS). Also called: HYDROMETROCOLPOS SYNDROME; HYDROMETROCOLPOS, POSTAXIAL POLYDACTYLY, AND CONGENITAL HEART MALFORMATION. Identifiers: Orphanet 2473, MedGen C0948368, MONDO:0009367, OMIM 236700.

Submission:

Labcorp Genetics (formerly Invitae), Labcorp
Classification: Uncertain significance for McKusick-Kaufman syndrome; Bardet-Biedl syndrome. Last evaluated: 2025-05-19. Review status: criteria provided, single submitter. Criteria: Invitae Variant Classification Sherloc (09022015). Collection method: clinical testing. Allele origin: germline.
Comment: This sequence change replaces isoleucine, which is neutral and non-polar, with leucine, which is neutral and non-polar, at codon 339 of the MKKS protein (p.Ile339Leu). This variant is not present in population databases (gnomAD no frequency). This variant has not been reported in the literature in individuals affected with MKKS-related conditions. ClinVar contains an entry for this variant (Variation ID: 3759156). Invitae Evidence Modeling of protein sequence and biophysical properties (such as structural, functional, and spatial information, amino acid conservation, physicochemical variation, residue mobility, and thermodynamic stability) indicates that this missense variant is not expected to disrupt MKKS protein function with a negative predictive value of 95%. In summary, the available evidence is currently insufficient to determine the role of this variant in disease. Therefore, it has been classified as a Variant of Uncertain Significance.